The following is an entry in ClinVar:

NM_004836.7(EIF2AK3):c.1583C>T (p.Thr528Met)

Gene: EIF2AK3 (eukaryotic translation initiation factor 2 alpha kinase 3; minus strand). Cytogenetic location: 2p11.2.
Variant type: single nucleotide variant.
Coding change: c.1583C>T on transcript NM_004836.7 (MANE Select); coding-DNA position 1583, C replaced by T.
Protein change: p.Thr528Met; replaces threonine 528 with methionine.
Molecular consequence: missense variant.
Genome position (GRCh38, 1-based): chr2:88,585,908, G>A on the plus strand (C>T on the coding strand, the complement: EIF2AK3 is on the minus strand). VCF-style: chr2-88585908-G-A. GRCh37 (hg19) VCF-style: chr2-88885426-G-A.
Other names: c.1130C>T, p.Thr377Met (NM_001313915.2); c.1583C>T (NM_004836.6); short protein forms T377M, T528M.
Identifiers: ClinVar variation 1945543 (VCV001945543.5), dbSNP rs200171164, ClinGen allele CA1754669.
Genomic context (GRCh38, chr2:88,585,908, plus strand): 5'-GGATGAGGATGGAAAAGCCTGCGCACAATAAACGTTGTTGCTATGATACAAAACAAAATC[G>A]TTGCAACTATTTCTTTCCACCAGTGTAAAAGAAGAACAGGATCCTTTTTGCGGATATTCT-3'
Protein context (NP_004827.4, residues 518-538): LLHWWKEIVA[Thr528Met]ILFCIIATTF

ClinVar aggregate classification (germline): Uncertain significance. Review status: criteria provided, multiple submitters, no conflicts (2 of 4 stars). 3 submissions from 3 submitters: Uncertain significance (2). 1 of the submissions does not count toward it. Last evaluated 2024-04-08.

Conditions:
EIF2AK3-related disorder. Also called: EIF2AK3-related condition.
Wolcott-Rallison dysplasia. Also called: Wolcott-Rallison syndrome; MED-IDDM SYNDROME. Identifiers: Orphanet 1667, MedGen C0432217, MONDO:0009192, OMIM 226980.

Allele frequency attached by ClinVar (database versions not stated): ExAC 0.00001; gnomAD exomes 0.00001; gnomAD 0.00002; TOPMed 0.00002.
gnomAD v4.1: 13 of 1,613,950 alleles (0.00081%); highest among the groups gnomAD compares: African/African-American, 0.004%; no homozygotes.

Submissions (3):

Fulgent Genetics
Classification: Uncertain significance for Wolcott-Rallison dysplasia. Last evaluated: 2024-04-08. Review status: criteria provided, single submitter. Criteria: ACMG Guidelines, 2015. Collection method: clinical testing. Allele origin: germline.

Labcorp Genetics (formerly Invitae), Labcorp
Classification: Uncertain significance. Last evaluated: 2022-06-15. Review status: criteria provided, single submitter. Criteria: Invitae Variant Classification Sherloc (09022015). Collection method: clinical testing. Allele origin: germline.
Comment: This sequence change replaces threonine, which is neutral and polar, with methionine, which is neutral and non-polar, at codon 528 of the EIF2AK3 protein (p.Thr528Met). This variant is present in population databases (rs200171164, gnomAD 0.008%). This variant has not been reported in the literature in individuals affected with EIF2AK3-related conditions. Algorithms developed to predict the effect of missense changes on protein structure and function are either unavailable or do not agree on the potential impact of this missense change (SIFT: "Deleterious"; PolyPhen-2: "Probably Damaging"; Align-GVGD: "Class C0"). In summary, the available evidence is currently insufficient to determine the role of this variant in disease. Therefore, it has been classified as a Variant of Uncertain Significance.

PreventionGenetics, part of Exact Sciences
Classification: Uncertain significance for EIF2AK3-related condition. Last evaluated: 2024-01-30. Review status: no assertion criteria provided. Collection method: clinical testing. Allele origin: germline. Not counted in ClinVar's aggregate classification.
Comment: The EIF2AK3 c.1583C>T variant is predicted to result in the amino acid substitution p.Thr528Met. To our knowledge, this variant has not been reported in the literature. This variant is reported in 0.0080% of alleles in individuals of African descent in gnomAD. At this time, the clinical significance of this variant is uncertain due to the absence of conclusive functional and genetic evidence.